The following is an entry in ClinVar:

NM_000218.3(KCNQ1):c.1394-29026G>A

Genes: KCNQ1 (potassium voltage-gated channel subfamily Q member 1; plus strand), KCNQ1OT1 (KCNQ1 opposite strand/antisense transcript 1; minus strand). Cytogenetic location: 11p15.5.
Variant type: single nucleotide variant.
Coding change: c.1394-29026G>A on transcript NM_000218.3 (MANE Select); 29026 bases into the intron before coding-DNA position 1394, G replaced by A.
Molecular consequence: intron variant. On other transcripts: non-coding transcript variant (1).
Genome position (GRCh38, 1-based): chr11:2,632,935, G>A. VCF-style: chr11-2632935-G-A. GRCh37 (hg19) VCF-style: chr11-2654165-G-A.
Other names: c.1124-29026G>A (NM_001406837.1); c.1298-29026G>A (NM_001406836.1); c.854-29026G>A (NM_001406838.1); c.1013-29026G>A (NM_181798.2).
Identifiers: ClinVar variation 4822384 (VCV004822384.4).

ClinVar aggregate classification (germline): Likely benign (1 of 4 stars; one submission).

gnomAD v4.1: 80 of 398,392 alleles (0.02%); highest among the groups gnomAD compares: African/African-American, 0.1%; no homozygotes.

Submission:

CeGaT Center for Human Genetics Tuebingen
Classification: Likely benign. Last evaluated: 2026-01-01. Review status: criteria provided, single submitter. Criteria: CeGaT Center For Human Genetics Tuebingen Variant Classification Criteria Version 2. Collection method: clinical testing. Allele origin: germline. Affected: yes. Observed: 1 variant allele.
Comment: KCNQ1OT1: BS1